The following is an entry in ClinVar:

ClinVar aggregate classification (germline): Uncertain significance (1 of 4 stars; one submission).

Allele frequency attached by ClinVar (database versions not stated): TOPMed 0.00001; gnomAD exomes 0.00001; ExAC 0.00001.
gnomAD v4.1: 7 of 1,613,944 alleles (0.00043%); highest among the groups gnomAD compares: Admixed American, 0.0067%; 1 homozygote.

Submission:

Labcorp Genetics (formerly Invitae), Labcorp
Classification: Uncertain significance. Last evaluated: 2025-06-02. Review status: criteria provided, single submitter. Criteria: Invitae Variant Classification Sherloc (09022015). Collection method: clinical testing. Allele origin: germline.
Comment: This sequence change replaces alanine, which is neutral and non-polar, with valine, which is neutral and non-polar, at codon 774 of the CACNA1G protein (p.Ala774Val). This variant is present in population databases (rs770298211, gnomAD 0.01%). This variant has not been reported in the literature in individuals affected with CACNA1G-related conditions. ClinVar contains an entry for this variant (Variation ID: 2974100). Invitae Evidence Modeling of protein sequence and biophysical properties (such as structural, functional, and spatial information, amino acid conservation, physicochemical variation, residue mobility, and thermodynamic stability) indicates that this missense variant is not expected to disrupt CACNA1G protein function with a negative predictive value of 95%. In summary, the available evidence is currently insufficient to determine the role of this variant in disease. Therefore, it has been classified as a Variant of Uncertain Significance.

NM_018896.5(CACNA1G):c.2321C>T (p.Ala774Val)

Gene: CACNA1G (calcium voltage-gated channel subunit alpha1 G; plus strand). Cytogenetic location: 17q21.33.
Variant type: single nucleotide variant.
Coding change: c.2321C>T on transcript NM_018896.5 (MANE Select); coding-DNA position 2321, C replaced by T.
Protein change: p.Ala774Val; replaces alanine 774 with valine.
Molecular consequence: missense variant. On other transcripts: non-coding transcript variant (5).
Genome position (GRCh38, 1-based): chr17:50,590,490, C>T. VCF-style: chr17-50590490-C-T. GRCh37 (hg19) VCF-style: chr17-48667851-C-T.
Other names: c.2321C>T, p.Ala774Val (NM_001256324.2, NM_001256325.2, NM_001256326.2 and 24 more transcripts); short protein forms A774V.
Identifiers: ClinVar variation 2974100 (VCV002974100.3), dbSNP rs770298211, ClinGen allele CA8652392.